The following is an entry in ClinVar:

NM_000455.5(STK11):c.845T>G (p.Leu282Arg)

Gene: STK11 (serine/threonine kinase 11; plus strand). Cytogenetic location: 19p13.3.
Variant type: single nucleotide variant.
Coding change: c.845T>G on transcript NM_000455.5 (MANE Select); coding-DNA position 845, T replaced by G.
Protein change: p.Leu282Arg; replaces leucine 282 with arginine.
Molecular consequence: missense variant. On other transcripts: non-coding transcript variant (1).
Genome position (GRCh38, 1-based): chr19:1,221,323, T>G. VCF-style: chr19-1221323-T-G. GRCh37 (hg19) VCF-style: chr19-1221322-T-G.
Other names: c.845T>G, p.Leu282Arg (NM_001407255.1); short protein forms L282R.
Identifiers: ClinVar variation 3383457 (VCV003383457.1).

ClinVar aggregate classification (germline): Likely pathogenic (1 of 4 stars; one submission).

Submission:

GeneDx
Classification: Likely pathogenic. Last evaluated: 2024-05-29. Review status: criteria provided, single submitter. Criteria: GeneDx Variant Classification Process June 2021. Collection method: clinical testing. Allele origin: germline. Affected: yes.
Comment: Not observed at significant frequency in large population cohorts (gnomAD); In silico analysis supports that this missense variant has a deleterious effect on protein structure/function; Has not been previously published as pathogenic or benign to our knowledge; This variant is associated with the following publications: (PMID: 15863673)